The following is an entry in ClinVar:

ClinVar aggregate classification (germline): Uncertain significance (1 of 4 stars; one submission).

Submission:

Labcorp Genetics (formerly Invitae), Labcorp
Classification: Uncertain significance. Last evaluated: 2024-10-15. Review status: criteria provided, single submitter. Criteria: Invitae Variant Classification Sherloc (09022015). Collection method: clinical testing. Allele origin: germline.
Comment: This variant, c.225_227del, results in the deletion of 1 amino acid(s) of the MTFMT protein (p.Glu76del), but otherwise preserves the integrity of the reading frame. This variant is present in population databases (rs756032517, gnomAD 0.0009%). This variant has not been reported in the literature in individuals affected with MTFMT-related conditions. Experimental studies and prediction algorithms are not available or were not evaluated, and the functional significance of this variant is currently unknown. In summary, the available evidence is currently insufficient to determine the role of this variant in disease. Therefore, it has been classified as a Variant of Uncertain Significance.

NM_139242.4(MTFMT):c.219AGA[2] (p.Glu76del)

Gene: MTFMT (mitochondrial methionyl-tRNA formyltransferase; minus strand). Cytogenetic location: 15q22.31.
Variant type: Microsatellite.
Coding change: c.219AGA[2] on transcript NM_139242.4 (MANE Select); two copies in a row of the 3-base unit AGA starting at c.219; the reference has three copies in a row; one copy, 3 bases deleted.
Protein change: p.Glu76del; deletes glutamic acid 76.
Molecular consequence: inframe deletion.
Genome position (GRCh38, 1-based): chr15:65,027,023-65,027,025, TCT deleted on the plus strand (AGA on the coding strand, the reverse complement: MTFMT is on the minus strand); deleting any 3 consecutive bases within chr15:65,027,023-65,027,032 gives the same sequence; the position shown is the placement nearest the transcript's 3' end. VCF-style (leftmost placement, unchanged base first): chr15-65027022-CTCT-C. GRCh37 (hg19) VCF-style: chr15-65319360-CTCT-C.
Other names: short protein forms E76del.
Identifiers: ClinVar variation 2413727 (VCV002413727.6), dbSNP rs756032517, ClinGen allele CA7613413.